The following is an entry in ClinVar:

ClinVar aggregate classification (germline): Uncertain significance (1 of 4 stars; one submission).

Allele frequency attached by ClinVar (database versions not stated): TOPMed 0.00001.

Submission:

Labcorp Genetics (formerly Invitae), Labcorp
Classification: Uncertain significance. Last evaluated: 2022-04-19. Review status: criteria provided, single submitter. Criteria: Invitae Variant Classification Sherloc (09022015). Collection method: clinical testing. Allele origin: germline.
Comment: Algorithms developed to predict the effect of missense changes on protein structure and function (SIFT, PolyPhen-2, Align-GVGD) all suggest that this variant is likely to be tolerated. In summary, the available evidence is currently insufficient to determine the role of this variant in disease. Therefore, it has been classified as a Variant of Uncertain Significance. This variant has not been reported in the literature in individuals affected with NCSTN-related conditions. This variant is not present in population databases (gnomAD no frequency). This sequence change replaces proline, which is neutral and non-polar, with serine, which is neutral and polar, at codon 593 of the NCSTN protein (p.Pro593Ser).

NM_015331.3(NCSTN):c.1777C>T (p.Pro593Ser)

Gene: NCSTN (nicastrin; plus strand). Cytogenetic location: 1q23.2.
Variant type: single nucleotide variant.
Coding change: c.1777C>T on transcript NM_015331.3 (MANE Select); coding-DNA position 1777, C replaced by T.
Protein change: p.Pro593Ser; replaces proline 593 with serine.
Molecular consequence: missense variant.
Genome position (GRCh38, 1-based): chr1:160,356,737, C>T. VCF-style: chr1-160356737-C-T. GRCh37 (hg19) VCF-style: chr1-160326527-C-T.
Other names: c.1717C>T, p.Pro573Ser (NM_001290184.2); c.1363C>T, p.Pro455Ser (NM_001290186.2); c.1777C>T, p.Pro593Ser (NM_001349729.2); short protein forms P573S, P593S, P455S.
Identifiers: ClinVar variation 2127967 (VCV002127967.4), dbSNP rs1235558184, ClinGen allele CA343283064.